The following is an entry in ClinVar:

NM_004519.4(KCNQ3):c.778-2A>G

Gene: KCNQ3 (potassium voltage-gated channel subfamily Q member 3; minus strand). Cytogenetic location: 8q24.22.
Variant type: single nucleotide variant.
Coding change: c.778-2A>G on transcript NM_004519.4 (MANE Select); the canonical splice acceptor site of the intron before coding-DNA position 778, A replaced by G.
Molecular consequence: splice acceptor variant.
Genome position (GRCh38, 1-based): chr8:132,175,610, T>C on the plus strand (A>G on the coding strand, the complement: KCNQ3 is on the minus strand). VCF-style: chr8-132175610-T-C. GRCh37 (hg19) VCF-style: chr8-133187857-T-C.
Other names: c.418-2A>G (NM_001204824.2).
Identifiers: ClinVar variation 4056522 (VCV004056522.1).

ClinVar aggregate classification (germline): Likely pathogenic (1 of 4 stars; one submission).

Conditions:
Seizures, benign familial neonatal, 2. Also called: Benign Neonatal Epilepsy 2; CONVULSIONS, BENIGN FAMILIAL NEONATAL, 2; KCNQ3-Related Benign Familial Neonatal Epilepsy; Seizures, benign neonatal, 2; KCNQ3-Related Self-Limited Familial Neonatal Epilepsy (SLFNE). Identifiers: Orphanet 1949, MedGen C1852581, MONDO:0007366, OMIM 121201.

Submission:

Laboratorio de Genetica e Diagnostico Molecular, Hospital Israelita Albert Einstein
Classification: Likely pathogenic for Seizures, benign familial neonatal, 2. Last evaluated: 2025-04-22. Review status: criteria provided, single submitter. Criteria: ACMG Guidelines, 2015. Collection method: clinical testing. Allele origin: germline. Affected: yes.
Comment: ACMG classification criteria: PVS1 very strong, PM2 supporting